The following is an entry in ClinVar:

NM_004530.6(MMP2):c.1144G>A (p.Asp382Asn)

Gene: MMP2 (matrix metallopeptidase 2; plus strand). Cytogenetic location: 16q12.2.
Variant type: single nucleotide variant.
Coding change: c.1144G>A on transcript NM_004530.6 (MANE Select); coding-DNA position 1144, G replaced by A.
Protein change: p.Asp382Asn; replaces aspartic acid 382 with asparagine.
Molecular consequence: missense variant.
Genome position (GRCh38, 1-based): chr16:55,489,788, G>A. VCF-style: chr16-55489788-G-A. GRCh37 (hg19) VCF-style: chr16-55523700-G-A.
Other names: c.994G>A, p.Asp332Asn (NM_001127891.3); c.916G>A, p.Asp306Asn (NM_001302508.1, NM_001302509.2, NM_001302510.2); short protein forms D382N, D306N, D332N.
Identifiers: ClinVar variation 319755 (VCV000319755.12), dbSNP rs555030156, ClinGen allele CA8060318.
Genomic context (GRCh38, chr16:55,489,788, plus strand): 5'-AGCTGCACCAGCGCCGGCCGCAGTGACGGAAAGATGTGGTGTGCGACCACAGCCAACTAC[G>A]ATGATGACCGCAAGTGGGGCTTCTGCCCTGACCAAGGTACGAGGCCCTGGTCATTGGACA-3'
Protein context (NP_004521.1, residues 372-392): KMWCATTANY[Asp382Asn]DDRKWGFCPD

ClinVar aggregate classification (germline): Uncertain significance. Review status: criteria provided, multiple submitters, no conflicts (2 of 4 stars). 4 submissions from 4 submitters: Uncertain significance (4). Last evaluated 2025-12-04.

Conditions:
Multicentric osteolysis, nodulosis, and arthropathy (MONA). Also called: AL-AQEEL SEWAIRI SYNDROME; OSTEOLYSIS, HEREDITARY MULTICENTRIC; TORG SYNDROME; Torg-Winchester syndrome; NAO SYNDROME. Identifiers: MedGen CN322832, MONDO:0009809, OMIM 259600.
Inborn genetic diseases. Identifiers: MedGen C0950123, MeSH D030342.
Multicentric osteolysis nodulosis arthropathy spectrum. Identifiers: Orphanet 3460, Orphanet 371428, MedGen C1850155, MONDO:0018298.

Allele frequency attached by ClinVar (database versions not stated): gnomAD exomes 0.00006 and 0.00008; ExAC 0.00007; TOPMed 0.00008; gnomAD 0.00015; 1000 Genomes Project 30x 0.00031; 1000 Genomes Project 0.00040.
gnomAD v4.1: 121 of 1,614,178 alleles (0.0075%); highest among the groups gnomAD compares: Middle Eastern, 0.066%; 1 homozygote.

Submissions (4):

Ambry Genetics
Classification: Uncertain significance for Inborn genetic diseases. Last evaluated: 2025-12-04. Review status: criteria provided, single submitter. Criteria: Ambry Variant Classification Scheme 2023. Collection method: clinical testing. Allele origin: germline.

Labcorp Genetics (formerly Invitae), Labcorp
Classification: Uncertain significance. Last evaluated: 2024-12-31. Review status: criteria provided, single submitter. Criteria: Invitae Variant Classification Sherloc (09022015). Collection method: clinical testing. Allele origin: germline.
Comment: This sequence change replaces aspartic acid, which is acidic and polar, with asparagine, which is neutral and polar, at codon 382 of the MMP2 protein (p.Asp382Asn). This variant is present in population databases (rs555030156, gnomAD 0.02%). This variant has not been reported in the literature in individuals affected with MMP2-related conditions. ClinVar contains an entry for this variant (Variation ID: 319755). Invitae Evidence Modeling of protein sequence and biophysical properties (such as structural, functional, and spatial information, amino acid conservation, physicochemical variation, residue mobility, and thermodynamic stability) has been performed for this missense variant. However, the output from this modeling did not meet the statistical confidence thresholds required to predict the impact of this variant on MMP2 protein function. In summary, the available evidence is currently insufficient to determine the role of this variant in disease. Therefore, it has been classified as a Variant of Uncertain Significance.

Genomic Medicine Center of Excellence, King Faisal Specialist Hospital and Research Centre
Classification: Uncertain significance for Multicentric osteolysis, nodulosis, and arthropathy. Last evaluated: 2024-09-22. Review status: criteria provided, single submitter. Criteria: ACMG Guidelines, 2015. Collection method: clinical testing. Allele origin: germline.

Illumina Laboratory Services, Illumina
Classification: Uncertain significance for Multicentric osteolysis, nodulosis, and arthropathy. Last evaluated: 2018-01-13. Review status: criteria provided, single submitter. Criteria: ICSL Variant Classification Criteria 13 December 2019. Collection method: clinical testing. Allele origin: germline.